The following is an entry in ClinVar:

NM_007194.4(CHEK2):c.1375+9A>G

Gene: CHEK2 (checkpoint kinase 2; minus strand). Cytogenetic location: 22q12.1.
Variant type: single nucleotide variant.
Coding change: c.1375+9A>G on transcript NM_007194.4 (MANE Select); 9 bases into the intron after coding-DNA position 1375, A replaced by G.
Molecular consequence: intron variant.
Genome position (GRCh38, 1-based): chr22:28,695,118, T>C on the plus strand (A>G on the coding strand, the complement: CHEK2 is on the minus strand). VCF-style: chr22-28695118-T-C. GRCh37 (hg19) VCF-style: chr22-29091106-T-C.
Other names: c.712+9A>G (NM_001437942.1, NM_001257387.3); c.1174+9A>G (NM_001349956.3); c.1288+9A>G (NM_145862.3); c.1381+9A>G (NM_001438295.1); c.1468+9A>G (NM_001438293.1); c.1417+9A>G (NM_001438294.1); c.1504+9A>G (NM_001005735.3).
Identifiers: ClinVar variation 1573769 (VCV001573769.10), dbSNP rs2145792496, ClinGen allele CA2573157981.

ClinVar aggregate classification (germline): Likely benign. Review status: criteria provided, multiple submitters, no conflicts (2 of 4 stars). 2 submissions from 2 submitters: Likely benign (2). Last evaluated 2024-10-08.

Conditions:
Familial cancer of breast. Also called: hereditary breast carcinoma; BREAST CANCER, FAMILIAL; Hereditary breast cancer. Identifiers: Orphanet 227535, MedGen C0346153, MONDO:0016419, OMIM 114480. Disease mechanism: loss of function.

Submissions (2):

Myriad Genetics, Inc.
Classification: Likely benign for Familial cancer of breast. Last evaluated: 2024-10-08. Review status: criteria provided, single submitter. Criteria: Myriad Autosomal Dominant, Autosomal Recessive and X-Linked Classification Criteria (2023). Collection method: clinical testing. Allele origin: unknown.
Comment: This variant is considered likely benign. This variant is intronic and is not expected to impact mRNA splicing.

Labcorp Genetics (formerly Invitae), Labcorp
Classification: Likely benign for Familial cancer of breast. Last evaluated: 2024-09-21. Review status: criteria provided, single submitter. Criteria: Invitae Variant Classification Sherloc (09022015). Collection method: clinical testing. Allele origin: germline.